The following is an entry in ClinVar:

NM_006031.6(PCNT):c.6928G>A (p.Asp2310Asn)

Gene: PCNT (pericentrin; plus strand). Cytogenetic location: 21q22.3.
Variant type: single nucleotide variant.
Coding change: c.6928G>A on transcript NM_006031.6 (MANE Select); coding-DNA position 6928, G replaced by A.
Protein change: p.Asp2310Asn; replaces aspartic acid 2310 with asparagine.
Molecular consequence: missense variant.
Genome position (GRCh38, 1-based): chr21:46,418,210, G>A. VCF-style: chr21-46418210-G-A. GRCh37 (hg19) VCF-style: chr21-47838124-G-A.
Other names: c.6574G>A, p.Asp2192Asn (NM_001315529.2); short protein forms D2192N, D2310N.
Identifiers: ClinVar variation 2628618 (VCV002628618.2), dbSNP rs762918904, ClinGen allele CA10080470.

ClinVar aggregate classification (germline): Uncertain significance (1 of 4 stars; one submission).

Conditions:
PCNT-related disorder. Also called: PCNT-related condition.

Allele frequency attached by ClinVar (database versions not stated): gnomAD exomes below 0.00001; ExAC 0.00001; TOPMed 0.00001.
gnomAD v4.1: 3 of 1,565,040 alleles (0.00019%); highest among the groups gnomAD compares: Non-Finnish European, 0.00026%; no homozygotes.

Submission:

PreventionGenetics, part of Exact Sciences
Classification: Uncertain significance for PCNT-related condition. Last evaluated: 2025-03-22. Review status: criteria provided, single submitter. Criteria: ACMG Guidelines, 2015. Collection method: clinical testing. Allele origin: germline.
Comment: The PCNT c.6928G>A variant is predicted to result in the amino acid substitution p.Asp2310Asn. To our knowledge, this variant has not been reported in the literature. This variant is reported in 0.00088% of alleles in individuals of European (Non-Finnish) descent in gnomAD. At this time, the clinical significance of this variant is uncertain due to the absence of conclusive functional and genetic evidence.